The following is an entry in ClinVar:

ClinVar aggregate classification (germline): Uncertain significance (1 of 4 stars; one submission).

Allele frequency attached by ClinVar (database versions not stated): gnomAD 0.00001; gnomAD exomes 0.00001 and 0.00002; ExAC 0.00002; TOPMed 0.00002.
gnomAD v4.1: 26 of 1,613,598 alleles (0.0016%); highest among the groups gnomAD compares: Non-Finnish European, 0.002%; no homozygotes.

Submission:

Labcorp Genetics (formerly Invitae), Labcorp
Classification: Uncertain significance. Last evaluated: 2022-07-05. Review status: criteria provided, single submitter. Criteria: Invitae Variant Classification Sherloc (09022015). Collection method: clinical testing. Allele origin: germline.
Comment: This sequence change falls in intron 5 of the RUSC2 gene. It does not directly change the encoded amino acid sequence of the RUSC2 protein. It affects a nucleotide within the consensus splice site. This variant is present in population databases (rs770889370, gnomAD 0.0009%). This variant has not been reported in the literature in individuals affected with RUSC2-related conditions. ClinVar contains an entry for this variant (Variation ID: 1369445). Variants that disrupt the consensus splice site are a relatively common cause of aberrant splicing (PMID: 17576681, 9536098). Algorithms developed to predict the effect of sequence changes on RNA splicing suggest that this variant is not likely to affect RNA splicing. In summary, the available evidence is currently insufficient to determine the role of this variant in disease. Therefore, it has been classified as a Variant of Uncertain Significance.

Literature cited by the submitters: PubMed 17576681; PubMed 9536098.

NM_014806.5(RUSC2):c.2983+3G>A

Gene: RUSC2 (RUN and SH3 domain containing 2; plus strand). Cytogenetic location: 9p13.3.
Variant type: single nucleotide variant.
Coding change: c.2983+3G>A on transcript NM_014806.5 (MANE Select); 3 bases into the intron after coding-DNA position 2983, G replaced by A.
Molecular consequence: intron variant.
Genome position (GRCh38, 1-based): chr9:35,556,451, G>A. VCF-style: chr9-35556451-G-A. GRCh37 (hg19) VCF-style: chr9-35556448-G-A.
Other names: c.349+3G>A (NM_001330740.2); c.2983+3G>A (NM_001135999.2).
Identifiers: ClinVar variation 1369445 (VCV001369445.3), dbSNP rs770889370, ClinGen allele CA5044007.
Genomic context (GRCh38, chr9:35,556,451, plus strand): 5'-TGTCTGTCCCCAGATGGCAGCTCAGAGGCCATTTCCATTGACCTGCTTCAGAAAAAAGGT[G>A]CATACAACCCCCAGCTCAGGCCAGGGACTCTGCTGTCACTACCTCCTCACACTTGCCCTA-3'